The following is an entry in ClinVar:

NM_004415.4(DSP):c.38C>T (p.Thr13Ile)

Genes: DSP-AS1 (DSP antisense RNA 1; minus strand), DSP (desmoplakin; plus strand). Cytogenetic location: 6p24.3.
Variant type: single nucleotide variant.
Coding change: c.38C>T on transcript NM_004415.4 (MANE Select); coding-DNA position 38, C replaced by T.
Protein change: p.Thr13Ile; replaces threonine 13 with isoleucine.
Molecular consequence: missense variant.
Genome position (GRCh38, 1-based): chr6:7,541,953, C>T. VCF-style: chr6-7541953-C-T. GRCh37 (hg19) VCF-style: chr6-7542186-C-T.
Other names: c.38C>T (LRG_423t1); c.38C>T, p.Thr13Ile (NM_001008844.3, NM_001319034.2); short protein forms T13I.
Identifiers: ClinVar variation 645816 (VCV000645816.14), dbSNP rs201133637, ClinGen allele CA039453.

ClinVar aggregate classification (germline): Conflicting classifications of pathogenicity. Review status: criteria provided, conflicting classifications (1 of 4 stars). 4 submissions from 4 submitters: Uncertain significance (3); Benign (1). Last evaluated 2024-11-18.

Conditions:
Arrhythmogenic right ventricular dysplasia 8 (ARVD8). Also called: Arrhythmogenic Right Ventricular Dysplasia/Cardiomyopathy 8; ARRHYTHMOGENIC RIGHT VENTRICULAR DYSPLASIA, FAMILIAL, 8; ARRHYTHMOGENIC RIGHT VENTRICULAR CARDIOMYOPATHY 8. Identifiers: MedGen C1843896, MONDO:0011831, OMIM 607450.
Arrhythmogenic cardiomyopathy with wooly hair and keratoderma. Also called: Dilated cardiomyopathy with woolly hair and keratoderma; Arrhythmogenic cardiomyopathy with woolly hair and keratoderma; Carvajal syndrome; PALMOPLANTAR KERATODERMA WITH LEFT VENTRICULAR CARDIOMYOPATHY AND WOOLLY HAIR. Identifiers: Orphanet 65282, MedGen C1854063, MONDO:0011581, OMIM 605676.
Cardiomyopathy (CMYO). Also called: Cardiomyopathies. Identifiers: Orphanet 167848, MedGen C0878544, MONDO:0004994, HP:0001638. Inheritance: Various modes of inheritance.
Cardiomyopathy, dilated, with wooly hair, keratoderma, and tooth agenesis. Also called: Cardiomyopathy, dilated, with woolly hair, keratoderma, and tooth agenesis; Erythrokeratodermia-cardiomyopathy syndrome. Identifiers: Orphanet 476096, Orphanet 65282, MedGen C4014393, MONDO:0014355, OMIM 615821.
Keratosis palmoplantaris striata 2. Also called: KERATODERMA, PALMOPLANTAR, STRIATE FORM II; STRIATE PALMOPLANTAR KERATODERMA II; Keratosis palmoplantaris striata II. Identifiers: MedGen C1852127, MONDO:0013034, OMIM 612908.
Lethal acantholytic epidermolysis bullosa (EBLA). Identifiers: Orphanet 158687, MedGen C1864826, MONDO:0012323, OMIM 609638.
Woolly hair-skin fragility syndrome (WHSF). Identifiers: Orphanet 293165, MedGen C1843292, MONDO:0957307, OMIM 620415.

Allele frequency attached by ClinVar (database versions not stated): gnomAD 0.00001 and 0.00003; gnomAD exomes 0.00002 and 0.00004; TOPMed 0.00003; ExAC 0.00007; 1000 Genomes Project 0.00020; 1000 Genomes Project 30x 0.00031.
gnomAD v4.1: 27 of 1,609,122 alleles (0.0017%); highest among the groups gnomAD compares: East Asian, 0.049%; no homozygotes.

Submissions (4):

Labcorp Genetics (formerly Invitae), Labcorp
Classification: Benign for Arrhythmogenic cardiomyopathy with wooly hair and keratoderma; Arrhythmogenic right ventricular dysplasia 8. Last evaluated: 2024-11-18. Review status: criteria provided, single submitter. Criteria: Invitae Variant Classification Sherloc (09022015). Collection method: clinical testing. Allele origin: germline.

All of Us Research Program, National Institutes of Health
Classification: Uncertain significance for Arrhythmogenic cardiomyopathy with wooly hair and keratoderma. Last evaluated: 2023-10-23. Review status: criteria provided, single submitter. Criteria: ACMG Guidelines, 2015. Collection method: clinical testing. Allele origin: germline. Inheritance: Autosomal dominant inheritance. Observed: 1 variant allele, 1 heterozygote.
Comment: This missense variant replaces threonine with isoleucine at codon 13 of the DSP protein. Computational prediction suggests that this variant may not impact protein structure and function (internally defined REVEL score threshold <= 0.5, PMID: 27666373). To our knowledge, functional studies have not been reported for this variant. This variant has been reported in an individual affected with arrhythmogenic right ventricular cardiomyopathy (PMID: 25765472) and in an individual with idiopathic respiratory distress syndrome and congenital heart defects (PMID: 34298581). This variant has been identified in 9/257752 chromosomes in the general population by the Genome Aggregation Database (gnomAD). The available evidence is insufficient to determine the role of this variant in disease conclusively. Therefore, this variant is classified as a Variant of Uncertain Significance.

This study involves interpretation of variants in research participants for the purpose of population health screening. Participant phenotype was not available at the time of variant classification. Additional details can be found in publication PMID: 35346344, PMCID: PMC8962531

Color Diagnostics, LLC DBA Color Health
Classification: Uncertain significance for Cardiomyopathy. Last evaluated: 2023-10-02. Review status: criteria provided, single submitter. Criteria: ACMG Guidelines, 2015. Collection method: clinical testing. Allele origin: germline.
Comment: This missense variant replaces threonine with isoleucine at codon 13 of the DSP protein. Computational prediction suggests that this variant may not impact protein structure and function (internally defined REVEL score threshold <= 0.5, PMID: 27666373). To our knowledge, functional studies have not been reported for this variant. This variant has been reported in an individual affected with arrhythmogenic right ventricular cardiomyopathy (PMID: 25765472) and in an individual with idiopathic respiratory distress syndrome and congenital heart defects (PMID: 34298581). This variant has been identified in 9/257752 chromosomes in the general population by the Genome Aggregation Database (gnomAD). The available evidence is insufficient to determine the role of this variant in disease conclusively. Therefore, this variant is classified as a Variant of Uncertain Significance.

Fulgent Genetics
Classification: Uncertain significance for Arrhythmogenic cardiomyopathy with wooly hair and keratoderma; Arrhythmogenic right ventricular dysplasia 8; Lethal acantholytic epidermolysis bullosa; Keratosis palmoplantaris striata 2; Cardiomyopathy, dilated, with wooly hair, keratoderma, and tooth agenesis. Last evaluated: 2021-10-18. Review status: criteria provided, single submitter. Criteria: ACMG Guidelines, 2015. Collection method: clinical testing. Allele origin: unknown.

Literature cited by the submitters: PubMed 25765472 (cited by All of Us Research Program, National Institutes of Health and Color Diagnostics, LLC DBA Color Health); PubMed 34298581 (cited by All of Us Research Program, National Institutes of Health and Color Diagnostics, LLC DBA Color Health).